The following is an entry in ClinVar:

ClinVar aggregate classification (germline): Uncertain significance (1 of 4 stars; one submission).

Conditions:
Sclerosteosis 2 (SOST2). Identifiers: Orphanet 3152, MedGen C3280402, MONDO:0013679, OMIM 614305.
Cenani-Lenz syndactyly syndrome. Also called: CENANI SYNDACTYLISM; SYNDACTYLY, TYPE VII. Identifiers: Orphanet 3258, MedGen C1859309, MONDO:0008931, OMIM 212780.
Congenital myasthenic syndrome 17. Identifiers: Orphanet 590, MedGen C4225377, MONDO:0014578, OMIM 616304.

Submission:

Labcorp Genetics (formerly Invitae), Labcorp
Classification: Uncertain significance for Cenani-Lenz syndactyly syndrome; Sclerosteosis 2; Congenital myasthenic syndrome 17. Last evaluated: 2018-07-21. Review status: criteria provided, single submitter. Criteria: Invitae Variant Classification Sherloc (09022015). Collection method: clinical testing. Allele origin: germline.
Comment: In summary, the available evidence is currently insufficient to determine the role of this variant in disease. Therefore, it has been classified as a Variant of Uncertain Significance. Algorithms developed to predict the effect of missense changes on protein structure and function (SIFT, PolyPhen-2, Align-GVGD) all suggest that this variant is likely to be disruptive, but these predictions have not been confirmed by published functional studies and their clinical significance is uncertain. This variant has not been reported in the literature in individuals with LRP4-related disease. This variant is not present in population databases (ExAC no frequency). This sequence change replaces cysteine with tyrosine at codon 1617 of the LRP4 protein (p.Cys1617Tyr). The cysteine residue is highly conserved and there is a large physicochemical difference between cysteine and tyrosine.

NM_002334.4(LRP4):c.4850G>A (p.Cys1617Tyr)

Genes: LRP4 (LDL receptor related protein 4; minus strand), LRP4-AS1 (LRP4 antisense RNA 1; plus strand). Cytogenetic location: 11p11.2.
Variant type: single nucleotide variant.
Coding change: c.4850G>A on transcript NM_002334.4 (MANE Select); coding-DNA position 4850, G replaced by A.
Protein change: p.Cys1617Tyr; replaces cysteine 1617 with tyrosine.
Molecular consequence: missense variant.
Genome position (GRCh38, 1-based): chr11:46,868,701, C>T on the plus strand (G>A on the coding strand, the complement: LRP4 is on the minus strand). VCF-style: chr11-46868701-C-T. GRCh37 (hg19) VCF-style: chr11-46890252-C-T.
Other names: short protein forms C1617Y.
Identifiers: ClinVar variation 664077 (VCV000664077.8), dbSNP rs1592515719, ClinGen allele CA380263816.